The following is an entry in ClinVar:

ClinVar aggregate classification (germline): Likely benign. Review status: criteria provided, multiple submitters, no conflicts (2 of 4 stars). 2 submissions from 2 submitters: Likely benign (2). Last evaluated 2024-12-30.

Allele frequency attached by ClinVar (database versions not stated): gnomAD 0.00005; TOPMed 0.00005; ExAC 0.00006; ESP Exome Variant Server 0.00008; gnomAD exomes 0.00012.
gnomAD v4.1: 163 of 1,485,604 alleles (0.011%); highest among the groups gnomAD compares: Non-Finnish European, 0.014%; no homozygotes.

Submissions (2):

Labcorp Genetics (formerly Invitae), Labcorp
Classification: Likely benign. Last evaluated: 2024-12-30. Review status: criteria provided, single submitter. Criteria: Invitae Variant Classification Sherloc (09022015). Collection method: clinical testing. Allele origin: germline.

CeGaT Center for Human Genetics Tuebingen
Classification: Likely benign. Last evaluated: 2023-05-01. Review status: criteria provided, single submitter. Criteria: CeGaT Center For Human Genetics Tuebingen Variant Classification Criteria Version 2. Collection method: clinical testing. Allele origin: germline. Affected: yes. Observed: 1 variant allele.
Comment: VPS13C: BP4, BP7

NM_020821.3(VPS13C):c.8808A>T (p.Arg2936=)

Gene: VPS13C (vacuolar protein sorting 13 homolog C; minus strand). Cytogenetic location: 15q22.2.
Variant type: single nucleotide variant.
Coding change: c.8808A>T on transcript NM_020821.3 (MANE Select); coding-DNA position 8808, A replaced by T.
Protein change: p.Arg2936=; no amino-acid change (arginine 2936 retained).
Molecular consequence: synonymous variant.
Genome position (GRCh38, 1-based): chr15:61,910,213, T>A on the plus strand (A>T on the coding strand, the complement: VPS13C is on the minus strand). VCF-style: chr15-61910213-T-A. GRCh37 (hg19) VCF-style: chr15-62202412-T-A.
Other names: c.8808A>T, p.Arg2936= (NM_001018088.3); c.8679A>T, p.Arg2893= (NM_017684.5, NM_018080.4).
Identifiers: ClinVar variation 2570904 (VCV002570904.29), dbSNP rs371157294, ClinGen allele CA7594873.